The following is an entry in ClinVar:

ClinVar aggregate classification (germline): Uncertain significance (1 of 4 stars; one submission).

Conditions:
Familial adenomatous polyposis 1 (FAP1). Also called: FAMILIAL ADENOMATOUS POLYPOSIS 1, ATTENUATED; POLYPOSIS, ADENOMATOUS INTESTINAL. Identifiers: MedGen C2713442, MONDO:0021056, OMIM 175100. Disease mechanism: loss of function.

Submission:

Labcorp Genetics (formerly Invitae), Labcorp
Classification: Uncertain significance for Familial adenomatous polyposis 1. Last evaluated: 2025-08-29. Review status: criteria provided, single submitter. Criteria: Invitae Variant Classification Sherloc (09022015). Collection method: clinical testing. Allele origin: germline.
Comment: This sequence change replaces arginine, which is basic and polar, with lysine, which is basic and polar, at codon 187 of the APC protein (p.Arg187Lys). This variant is not present in population databases (gnomAD no frequency). This variant has not been reported in the literature in individuals affected with APC-related conditions. ClinVar contains an entry for this variant (Variation ID: 1003169). Invitae Evidence Modeling of protein sequence and biophysical properties (such as structural, functional, and spatial information, amino acid conservation, physicochemical variation, residue mobility, and thermodynamic stability) indicates that this missense variant is not expected to disrupt APC protein function with a negative predictive value of 95%. In summary, the available evidence is currently insufficient to determine the role of this variant in disease. Therefore, it has been classified as a Variant of Uncertain Significance.

NM_000038.6(APC):c.560G>A (p.Arg187Lys)

Gene: APC (APC regulator of Wnt signaling pathway; plus strand). Cytogenetic location: 5q22.2.
Variant type: single nucleotide variant.
Coding change: c.560G>A on transcript NM_000038.6 (MANE Select); coding-DNA position 560, G replaced by A.
Protein change: p.Arg187Lys; replaces arginine 187 with lysine.
Molecular consequence: missense variant. On other transcripts: 5 prime UTR variant (1).
Genome position (GRCh38, 1-based): chr5:112,780,818, G>A. VCF-style: chr5-112780818-G-A. GRCh37 (hg19) VCF-style: chr5-112116515-G-A.
Other names: c.560G>A, p.Arg187Lys (NM_001127510.3, NM_001354895.2, NM_001354896.2 and 2 more transcripts); c.590G>A, p.Arg197Lys (NM_001127511.3, NM_001354897.2, NM_001354902.2); c.485G>A, p.Arg162Lys (NM_001354898.2, NM_001354904.2); c.383G>A, p.Arg128Lys (NM_001354900.2, NM_001354901.2, NM_001354905.2); c.-476G>A (NM_001354906.2); short protein forms R128K, R162K, R187K, R197K.
Identifiers: ClinVar variation 1003169 (VCV001003169.10), dbSNP rs1758242583, ClinGen allele CA16022557.